The following is an entry in ClinVar:

ClinVar aggregate classification (germline): Uncertain significance (1 of 4 stars; one submission).

Conditions:
Tuberous sclerosis 2 (TSC2). Identifiers: Orphanet 805, MedGen C1860707, MONDO:0013199, OMIM 613254.

Submission:

Labcorp Genetics (formerly Invitae), Labcorp
Classification: Uncertain significance for Tuberous sclerosis 2. Last evaluated: 2024-08-31. Review status: criteria provided, single submitter. Criteria: Invitae Variant Classification Sherloc (09022015). Collection method: clinical testing. Allele origin: germline.
Comment: This sequence change replaces histidine, which is basic and polar, with leucine, which is neutral and non-polar, at codon 1746 of the TSC2 protein (p.His1746Leu). This variant is not present in population databases (gnomAD no frequency). This variant has not been reported in the literature in individuals affected with TSC2-related conditions. Invitae Evidence Modeling of protein sequence and biophysical properties (such as structural, functional, and spatial information, amino acid conservation, physicochemical variation, residue mobility, and thermodynamic stability) indicates that this missense variant is not expected to disrupt TSC2 protein function with a negative predictive value of 95%. This variant disrupts the p.His1746 amino acid residue in TSC2. Other variant(s) that disrupt this residue have been determined to be pathogenic (internal data). This suggests that this residue is clinically significant, and that variants that disrupt this residue are likely to be disease-causing. In summary, the available evidence is currently insufficient to determine the role of this variant in disease. Therefore, it has been classified as a Variant of Uncertain Significance.

NM_000548.5(TSC2):c.5237A>T (p.His1746Leu)

Gene: TSC2 (TSC complex subunit 2; plus strand). Cytogenetic location: 16p13.3.
Variant type: single nucleotide variant.
Coding change: c.5237A>T on transcript NM_000548.5 (MANE Select); coding-DNA position 5237, A replaced by T.
Protein change: p.His1746Leu; replaces histidine 1746 with leucine.
Molecular consequence: missense variant. On other transcripts: non-coding transcript variant (5).
Genome position (GRCh38, 1-based): chr16:2,088,303, A>T. VCF-style: chr16-2088303-A-T. GRCh37 (hg19) VCF-style: chr16-2138304-A-T.
Other names: c.3692A>T, p.His1231Leu (NM_001406695.1, NM_001406696.1, NM_001406697.1); c.3434A>T, p.His1145Leu (NM_001406698.1); c.5108A>T, p.His1703Leu (NM_021055.3); c.3761A>T, p.His1254Leu (NM_001406691.1); c.3695A>T, p.His1232Leu (NM_001406692.1, NM_001406693.1, NM_001406694.1); c.5036A>T, p.His1679Leu (NM_001077183.3); c.5168A>T, p.His1723Leu (NM_001114382.3); c.4928A>T, p.His1643Leu (NM_001318827.2); and 27 more; short protein forms H1231L, H1232L, H1255L, H1523L, H1630L, H1676L, H1709L, H1710L.
Identifiers: ClinVar variation 3637264 (VCV003637264.2).
Genomic context (GRCh38, chr16:2,088,303, plus strand): 5'-ATCATAGCCGCTCCAACCCCACCGATATCTACCCCTCCAAGTGGATTGCCCGGCTCCGCC[A>T]CATCAAGCGGCTCCGCCAGCGGGTAGGGAATATGGGGCTCCCTCAGCGGGGTGTGCTGGC-3'
Protein context (NP_000539.2, residues 1736-1756): YPSKWIARLR[His1746Leu]IKRLRQRICE